The following is an entry in ClinVar:

NM_001308429.2(GARIN5A):c.285G>T (p.Arg95=)

Gene: GARIN5A (golgi associated RAB2 interactor 5A; minus strand). Cytogenetic location: 19q13.33.
Variant type: single nucleotide variant.
Coding change: c.285G>T on transcript NM_001308429.2 (MANE Select); coding-DNA position 285, G replaced by T.
Protein change: p.Arg95=; no amino-acid change (arginine 95 retained).
Molecular consequence: synonymous variant.
Genome position (GRCh38, 1-based): chr19:50,475,908, C>A on the plus strand (G>T on the coding strand, the complement: GARIN5A is on the minus strand). VCF-style: chr19-50475908-C-A. GRCh37 (hg19) VCF-style: chr19-50979165-C-A.
Other names: c.285G>T, p.Arg95= (NM_138411.3).
Identifiers: ClinVar variation 3388181 (VCV003388181.14).
Genomic context (GRCh38, chr19:50,475,908, plus strand): 5'-CTCAAAGATGGGGAAGTCCCGAAACTGGTCGAATTCGCCGCTCTGGAGGTAGCGTTGGAG[C>A]CGTCTGGGACGGCCCGTGGGAGAGGCTGCAACCAGGAGGCATTTTACCAGGACGAAGTCT-3'
Protein context (NP_001295358.1, residues 85-105): MAASPTGRPR[Arg95=]LQRYLQSGEF

ClinVar aggregate classification (germline): Likely benign (1 of 4 stars; one submission).

gnomAD v4.1: 2,841 of 1,613,902 alleles (0.18%); highest among the groups gnomAD compares: Non-Finnish European, 0.22%; 4 homozygotes.

Submission:

CeGaT Center for Human Genetics Tuebingen
Classification: Likely benign. Last evaluated: 2024-11-01. Review status: criteria provided, single submitter. Criteria: CeGaT Center For Human Genetics Tuebingen Variant Classification Criteria Version 2. Collection method: clinical testing. Allele origin: germline. Affected: yes. Observed: 1 variant allele.
Comment: GARIN5A: BP4, BP7